The following is an entry in ClinVar:

NM_001048174.2(MUTYH):c.493-5A>T

Gene: MUTYH (mutY DNA glycosylase; minus strand). Cytogenetic location: 1p34.1.
Variant type: single nucleotide variant.
Coding change: c.493-5A>T on transcript NM_001048174.2 (MANE Select); 5 bases into the intron before coding-DNA position 493, A replaced by T.
Molecular consequence: intron variant.
Genome position (GRCh38, 1-based): chr1:45,332,692, T>A on the plus strand (A>T on the coding strand, the complement: MUTYH is on the minus strand). VCF-style: chr1-45332692-T-A. GRCh37 (hg19) VCF-style: chr1-45798364-T-A.
Other names: c.148-5A>T (NM_001350651.2, NM_001350650.2); c.217-5A>T (NM_001293192.2, NM_001293196.2); c.493-5A>T (NM_001048171.2, NM_001048173.2, NM_001293195.2); c.538-5A>T (NM_001293190.2); c.568-5A>T (NM_012222.3); c.577-5A>T (NM_001128425.2); c.496-5A>T (NM_001048172.2); c.526-5A>T (NM_001293191.2).
Identifiers: ClinVar variation 483912 (VCV000483912.20), dbSNP rs758377868, ClinGen allele CA21838634.

ClinVar aggregate classification (germline): Conflicting classifications of pathogenicity. Review status: criteria provided, conflicting classifications (1 of 4 stars). 5 submissions from 5 submitters: Uncertain significance (3); Likely benign (2). Last evaluated 2025-08-18.

Conditions:
Hereditary cancer-predisposing syndrome. Also called: Hereditary neoplastic syndrome; Hereditary Cancer Syndrome; Neoplastic Syndromes, Hereditary; Tumor predisposition. Identifiers: Orphanet 140162, MedGen C0027672, MeSH D009386, MONDO:0015356.
Familial adenomatous polyposis 2. Also called: MYH-associated polyposis; COLORECTAL ADENOMATOUS POLYPOSIS, AUTOSOMAL RECESSIVE; ADENOMAS, MULTIPLE COLORECTAL, AUTOSOMAL RECESSIVE; MUTYH-related attenuated familial adenomatous polyposis; Adenomas, multiple colorectal; FAP type 2. Identifiers: Orphanet 220460, Orphanet 247798, MedGen C3272841, MONDO:0012041, OMIM 608456.

Submissions (5):

Ambry Genetics
Classification: Uncertain significance for Hereditary cancer-predisposing syndrome. Last evaluated: 2025-08-18. Review status: criteria provided, single submitter. Criteria: Ambry Variant Classification Scheme 2023. Collection method: clinical testing. Allele origin: germline.
Comment: The c.577-5A>T intronic variant results from an A to T substitution 5 nucleotides upstream from coding exon 8 in the MUTYH gene. This nucleotide position is well conserved on limited sequence alignment. In silico splice site analysis predicts that this alteration will not have any significant effect on splicing; however, direct evidence is insufficient at this time (Ambry internal data). Based on the available evidence, the clinical significance of this variant remains unclear.

Labcorp Genetics (formerly Invitae), Labcorp
Classification: Likely benign for Familial adenomatous polyposis 2. Last evaluated: 2023-08-07. Review status: criteria provided, single submitter. Criteria: Invitae Variant Classification Sherloc (09022015). Collection method: clinical testing. Allele origin: germline.

Color Diagnostics, LLC DBA Color Health
Classification: Uncertain significance for Hereditary cancer-predisposing syndrome. Last evaluated: 2019-11-05. Review status: criteria provided, single submitter. Criteria: ACMG Guidelines, 2015. Collection method: clinical testing. Allele origin: germline.
Comment: This variant causes an A>T nucleotide substitution at the -5 position of intron 7 of the MUTYH gene. To our knowledge, functional studies have not been performed for this variant. This variant has been reported in 1 individual diagnosed with at least 10 polyps (PMID: 24470512). This variant has not been identified in the general population by the Genome Aggregation Database (gnomAD). The available evidence is insufficient to determine the role of this variant in disease conclusively. Therefore, this variant is classified as a Variant of Uncertain Significance.

Mendelics
Classification: Uncertain significance for MYH-associated polyposis. Last evaluated: 2018-07-02. Review status: criteria provided, single submitter. Criteria: Mendelics Assertion Criteria 2017. Collection method: clinical testing. Allele origin: unknown.

GeneDx
Classification: Likely benign. Last evaluated: 2017-11-08. Review status: criteria provided, single submitter. Criteria: GeneDx Variant Classification (06012015). Collection method: clinical testing. Allele origin: germline. Affected: yes.
Comment: This variant is considered likely benign or benign based on one or more of the following criteria: it is a conservative change, it occurs at a poorly conserved position in the protein, it is predicted to be benign by multiple in silico algorithms, and/or has population frequency not consistent with disease.